The following is an entry in ClinVar:

NM_015331.3(NCSTN):c.2008T>C (p.Leu670=)

Gene: NCSTN (nicastrin; plus strand). Cytogenetic location: 1q23.2.
Variant type: single nucleotide variant.
Coding change: c.2008T>C on transcript NM_015331.3 (MANE Select); coding-DNA position 2008, T replaced by C.
Protein change: p.Leu670=; no amino-acid change (leucine 670 retained).
Molecular consequence: synonymous variant.
Genome position (GRCh38, 1-based): chr1:160,358,149, T>C. VCF-style: chr1-160358149-T-C. GRCh37 (hg19) VCF-style: chr1-160327939-T-C.
Other names: c.1948T>C, p.Leu650= (NM_001290184.2); c.1594T>C, p.Leu532= (NM_001290186.2); c.1795T>C, p.Leu599= (NM_001349729.2).
Identifiers: ClinVar variation 2866449 (VCV002866449.3), dbSNP rs1423628729, ClinGen allele CA421373518.

ClinVar aggregate classification (germline): Uncertain significance (1 of 4 stars; one submission).

Submission:

Labcorp Genetics (formerly Invitae), Labcorp
Classification: Uncertain significance. Last evaluated: 2023-06-13. Review status: criteria provided, single submitter. Criteria: Invitae Variant Classification Sherloc (09022015). Collection method: clinical testing. Allele origin: germline.
Comment: Algorithms developed to predict the effect of sequence changes on RNA splicing suggest that this variant is not likely to affect RNA splicing. This sequence change affects codon 670 of the NCSTN mRNA. It is a 'silent' change, meaning that it does not change the encoded amino acid sequence of the NCSTN protein. It affects a nucleotide within the consensus splice site. This variant is not present in population databases (gnomAD no frequency). This variant has not been reported in the literature in individuals affected with NCSTN-related conditions. In summary, the available evidence is currently insufficient to determine the role of this variant in disease. Therefore, it has been classified as a Variant of Uncertain Significance.